The following is an entry in ClinVar:

NM_000038.6(APC):c.5108G>A (p.Gly1703Glu)

Gene: APC (APC regulator of Wnt signaling pathway; plus strand). Cytogenetic location: 5q22.2.
Variant type: single nucleotide variant.
Coding change: c.5108G>A on transcript NM_000038.6 (MANE Select); coding-DNA position 5108, G replaced by A.
Protein change: p.Gly1703Glu; replaces glycine 1703 with glutamic acid.
Molecular consequence: missense variant. On other transcripts: non-coding transcript variant (2).
Genome position (GRCh38, 1-based): chr5:112,840,702, G>A. VCF-style: chr5-112840702-G-A. GRCh37 (hg19) VCF-style: chr5-112176399-G-A.
Other names: c.5162G>A, p.Gly1721Glu (NM_001407447.1, NM_001407448.1, NM_001407449.1 and 1 more transcripts); c.5108G>A, p.Gly1703Glu (NM_001407450.1, NM_001127510.3, NM_001354895.2); c.5087G>A, p.Gly1696Glu (NM_001407451.1); c.5078G>A, p.Gly1693Glu (NM_001407452.1); c.4931G>A, p.Gly1644Glu (NM_001407453.1, NM_001354901.2); c.4859G>A, p.Gly1620Glu (NM_001407454.1, NM_001407455.1, NM_001407457.1 and 1 more transcripts); c.4805G>A, p.Gly1602Glu (NM_001407458.1, NM_001354903.2, NM_001407459.1 and 1 more transcripts); c.5054G>A, p.Gly1685Glu (NM_001127511.3); and 11 more; short protein forms G1319E, G1420E, G1543E, G1574E, G1577E, G1602E, G1612E, G1620E.
Identifiers: ClinVar variation 4801492 (VCV004801492.1).

ClinVar aggregate classification (germline): Uncertain significance (1 of 4 stars; one submission).

Conditions:
Familial adenomatous polyposis 1 (FAP1). Also called: FAMILIAL ADENOMATOUS POLYPOSIS 1, ATTENUATED; POLYPOSIS, ADENOMATOUS INTESTINAL. Identifiers: MedGen C2713442, MONDO:0021056, OMIM 175100. Disease mechanism: loss of function.

gnomAD v4.1: 1 of 1,614,040 alleles (0.000062%); highest among the groups gnomAD compares: Non-Finnish European, 0.000085%; no homozygotes.

Submission:

Labcorp Genetics (formerly Invitae), Labcorp
Classification: Uncertain significance for Familial adenomatous polyposis 1. Last evaluated: 2025-08-24. Review status: criteria provided, single submitter. Criteria: Invitae Variant Classification Sherloc (09022015). Collection method: clinical testing. Allele origin: germline.
Comment: This sequence change replaces glycine, which is neutral and non-polar, with glutamic acid, which is acidic and polar, at codon 1703 of the APC protein (p.Gly1703Glu). This variant is not present in population databases (gnomAD no frequency). This variant has not been reported in the literature in individuals affected with APC-related conditions. Invitae Evidence Modeling of protein sequence and biophysical properties (such as structural, functional, and spatial information, amino acid conservation, physicochemical variation, residue mobility, and thermodynamic stability) indicates that this missense variant is not expected to disrupt APC protein function with a negative predictive value of 95%. In summary, the available evidence is currently insufficient to determine the role of this variant in disease. Therefore, it has been classified as a Variant of Uncertain Significance.